The following is an entry in ClinVar:

ClinVar aggregate classification (germline): Uncertain significance. Review status: criteria provided, multiple submitters, no conflicts (2 of 4 stars). 2 submissions from 2 submitters: Uncertain significance (2). Last evaluated 2024-05-02.

Conditions:
Inborn genetic diseases. Identifiers: MedGen C0950123, MeSH D030342.

Allele frequency attached by ClinVar (database versions not stated): gnomAD 0.00003; gnomAD exomes 0.00005; TOPMed 0.00005; ExAC 0.00007; ESP Exome Variant Server 0.00015.
gnomAD v4.1: 80 of 1,614,034 alleles (0.005%); highest among the groups gnomAD compares: South Asian, 0.014%; no homozygotes.

Submissions (2):

Mayo Clinic Laboratories, Mayo Clinic
Classification: Uncertain significance. Last evaluated: 2024-05-02. Review status: criteria provided, single submitter. Criteria: ACMG Guidelines, 2015. Collection method: clinical testing. Allele origin: germline. Observed: 1 variant allele.
Comment: BP4

Ambry Genetics
Classification: Uncertain significance for Inborn genetic diseases. Last evaluated: 2024-01-02. Review status: criteria provided, single submitter. Criteria: Ambry Variant Classification Scheme 2023. Collection method: clinical testing. Allele origin: germline.

NM_000552.5(VWF):c.2233G>A (p.Gly745Arg)

Gene: VWF (von Willebrand factor; minus strand). Cytogenetic location: 12p13.31.
Variant type: single nucleotide variant.
Coding change: c.2233G>A on transcript NM_000552.5 (MANE Select); coding-DNA position 2233, G replaced by A.
Protein change: p.Gly745Arg; replaces glycine 745 with arginine.
Molecular consequence: missense variant.
Genome position (GRCh38, 1-based): chr12:6,046,771, C>T on the plus strand (G>A on the coding strand, the complement: VWF is on the minus strand). VCF-style: chr12-6046771-C-T. GRCh37 (hg19) VCF-style: chr12-6155937-C-T.
Other names: p.Gly745Arg; c.2233G>A (NM_000552.4); short protein forms G745R.
Identifiers: ClinVar variation 3189435 (VCV003189435.2), dbSNP rs367811486, ClinGen allele CA6403137.